The following is an entry in ClinVar:

NM_016562.4(TLR7):c.2716G>A (p.Glu906Lys)

Gene: TLR7 (toll like receptor 7; plus strand). Cytogenetic location: Xp22.2.
Variant type: single nucleotide variant.
Coding change: c.2716G>A on transcript NM_016562.4 (MANE Select); coding-DNA position 2716, G replaced by A.
Protein change: p.Glu906Lys; replaces glutamic acid 906 with lysine.
Molecular consequence: missense variant.
Genome position (GRCh38, 1-based): chrX:12,888,224, G>A. VCF-style: chrX-12888224-G-A. GRCh37 (hg19) VCF-style: chrX-12906343-G-A.
Other names: c.2716G>A (NM_016562.3); short protein forms E906K.
Identifiers: ClinVar variation 1341705 (VCV001341705.4), dbSNP rs202022420, ClinGen allele CA10350104.
Genomic context (GRCh38, chrX:12,888,224, plus strand): 5'-TCACCAGACTGTTGCTATGATGCTTTTATTGTGTATGACACTAAAGACCCAGCTGTGACC[G>A]AGTGGGTTTTGGCTGAGCTGGTGGCCAAACTGGAAGACCCAAGAGAGAAACATTTTAATT-3'
Protein context (NP_057646.1, residues 896-916): VYDTKDPAVT[Glu906Lys]WVLAELVAKL

ClinVar aggregate classification (germline): Uncertain significance. Review status: criteria provided, multiple submitters, no conflicts (2 of 4 stars). 2 submissions from 2 submitters: Uncertain significance (2). Last evaluated 2023-02-14.

Conditions:
Systemic lupus erythematosus 17 (SLEB17). Identifiers: MedGen C5676884, MONDO:0859083, OMIM 301080.
Systemic lupus erythematosus (SLE). Identifiers: Orphanet 536, MedGen C0024141, MONDO:0007915, OMIM 152700, HP:0002725.

Allele frequency attached by ClinVar (database versions not stated): gnomAD exomes 0.00003 and 0.00002; TOPMed 0.00001; gnomAD 0.00003 and 0.00002; ExAC 0.00001.
gnomAD v4.1: 26 of 1,209,587 alleles (0.0021%); highest among the groups gnomAD compares: East Asian, 0.0059%; no homozygotes.

Submissions (2):

Ambry Genetics
Classification: Uncertain significance. Last evaluated: 2023-02-14. Review status: criteria provided, single submitter. Criteria: Ambry Variant Classification Scheme 2023. Collection method: clinical testing. Allele origin: germline.

New York Genome Center
Classification: Uncertain significance for Systemic lupus erythematosus. Last evaluated: 2020-05-29. Review status: criteria provided, single submitter. Criteria: NYGC Assertion Criteria 2020. Collection method: clinical testing. Allele origin: germline. Observed: 1 heterozygote. Study: CSER-NYCKidSeq.